The following is an entry in ClinVar:

NM_031885.5(BBS2):c.1297del (p.Ser433fs)

Gene: BBS2 (Bardet-Biedl syndrome 2; minus strand). Cytogenetic location: 16q13.
Variant type: Deletion.
Coding change: c.1297del on transcript NM_031885.5 (MANE Select); coding-DNA position 1297, one base deleted (A; older notation c.1297delA).
Protein change: p.Ser433fs; shifts the reading frame from serine 433.
Molecular consequence: frameshift variant. On other transcripts: non-coding transcript variant (2).
Genome position (GRCh38, 1-based): chr16:56,500,954, T deleted on the plus strand (A on the coding strand, the reverse complement: BBS2 is on the minus strand). VCF-style (leftmost placement, unchanged base first): chr16-56500953-CT-C. GRCh37 (hg19) VCF-style: chr16-56534865-CT-C.
Other names: c.1297del, p.Ser433fs (NM_001377456.1); short protein forms S433fs.
Identifiers: ClinVar variation 5016152 (VCV005016152.1).

ClinVar aggregate classification (germline): Pathogenic (1 of 4 stars; one submission).

Conditions:
BBS2-related ciliopathy. Identifiers: MedGen CN378634, MONDO:1040048.

Submission:

Myriad Genetics, Inc.
Classification: Pathogenic for BBS2-related ciliopathy. Last evaluated: 2026-07-22. Review status: criteria provided, single submitter. Criteria: Myriad Autosomal Dominant, Autosomal Recessive and X-Linked Classification Criteria (2023). Collection method: clinical testing. Allele origin: unknown.
Comment: NM_031885.3(BBS2):c.1297delA(S433Afs*25) is expected to be pathogenic in the context of Bardet-Biedl syndrome, BBS2-related. This variant is predicted to lead to an abnormal or absent protein product due to the creation of a premature termination codon in BBS2, a gene where loss-of-function variants are known to be pathogenic. Please note: this variant was assessed in the context of healthy population screening.